The following is an entry in ClinVar:

ClinVar aggregate classification (germline): Likely pathogenic. Review status: criteria provided, single submitter (1 of 4 stars). 2 submissions from 2 submitters: Likely pathogenic (1). 1 of the submissions does not count toward it. Last evaluated 2025-05-27.

Conditions:
Congenital myasthenic syndrome 3B (CMS3B). Also called: Myasthenic syndrome, congenital, 3B, fast-channel. Identifiers: Orphanet 590, MedGen C4225371, MONDO:0014584, OMIM 616322.
Congenital myasthenic syndrome 3C. Also called: Myasthenic syndrome, congenital, 3c, associated with acetylcholine receptor deficiency. Identifiers: Orphanet 590, MedGen C4225370, MONDO:0014585, OMIM 616323.
Lethal multiple pterygium syndrome (LMPS). Identifiers: Orphanet 33108, MedGen C1854678, MONDO:0009668, OMIM 253290.

Submissions (2):

First Genomix Gene Laboratory, Genetic Diagnostics Department
Classification: Likely pathogenic for Congenital myasthenic syndrome 3C; Lethal multiple pterygium syndrome; Congenital myasthenic syndrome 3B. Last evaluated: 2025-05-27. Review status: criteria provided, single submitter. Criteria: ACMG Guidelines, 2015. Collection method: clinical testing. Allele origin: germline. Inheritance: Autosomal recessive inheritance. Affected: no. Observed: 1 variant allele.

OMIM
Classification: Pathogenic for MYASTHENIC SYNDROME, CONGENITAL, 3B, FAST-CHANNEL. Last evaluated: 2002-12-24. Review status: no assertion criteria provided. Collection method: literature only. Allele origin: germline. Not counted in ClinVar's aggregate classification.

Literature cited by the submitters: PubMed 12499478 (cited by OMIM).

NM_000751.3(CHRND):c.812C>A (p.Pro271Gln)

Gene: CHRND (cholinergic receptor nicotinic delta subunit; plus strand). Cytogenetic location: 2q37.1.
Variant type: single nucleotide variant.
Coding change: c.812C>A on transcript NM_000751.3 (MANE Select); coding-DNA position 812, C replaced by A.
Protein change: p.Pro271Gln; replaces proline 271 with glutamine.
Molecular consequence: missense variant. On other transcripts: intron variant (1).
Genome position (GRCh38, 1-based): chr2:232,530,131, C>A. VCF-style: chr2-232530131-C-A. GRCh37 (hg19) VCF-style: chr2-233394841-C-A.
Other names: P250Q; c.767C>A, p.Pro256Gln (NM_001256657.2); c.509C>A, p.Pro170Gln (NM_001311196.2); c.239-1221C>A (NM_001311195.2); short protein forms P271Q, P256Q, P170Q.
Identifiers: ClinVar variation 18364 (VCV000018364.3), dbSNP rs121909503, ClinGen allele CA128063.